The following is an entry in ClinVar:

ClinVar aggregate classification (germline): Uncertain significance (1 of 4 stars; one submission).

Conditions:
Aortic aneurysm, familial thoracic 6 (AAT6). Also called: FAMILIAL THORACIC AORTIC ANEURYSM WITH LIVEDO RETICULARIS AND IRIS FLOCCULI. Identifiers: MedGen C2673186, MONDO:0012730, OMIM 611788.

Allele frequency attached by ClinVar (database versions not stated): gnomAD exomes below 0.00001.

Submission:

Labcorp Genetics (formerly Invitae), Labcorp
Classification: Uncertain significance for Aortic aneurysm, familial thoracic 6. Last evaluated: 2022-02-19. Review status: criteria provided, single submitter. Criteria: Invitae Variant Classification Sherloc (09022015). Collection method: clinical testing. Allele origin: germline.
Comment: In summary, the available evidence is currently insufficient to determine the role of this variant in disease. Therefore, it has been classified as a Variant of Uncertain Significance. Experimental studies and prediction algorithms are not available or were not evaluated, and the functional significance of this variant is currently unknown. This variant has not been reported in the literature in individuals affected with ACTA2-related conditions. This variant is present in population databases (no rsID available, gnomAD 0.003%). This sequence change affects the initiator methionine of the ACTA2 mRNA. The next in-frame methionine is located at codon 46.

NM_001613.4(ACTA2):c.3G>A (p.Met1Ile)

Gene: ACTA2 (actin alpha 2, smooth muscle; minus strand). Cytogenetic location: 10q23.31.
Variant type: single nucleotide variant.
Coding change: c.3G>A on transcript NM_001613.4 (MANE Select); coding-DNA position 3, G replaced by A.
Protein change: p.Met1Ile; changes the start codon (methionine 1).
Molecular consequence: missense variant, initiator codon variant.
Genome position (GRCh38, 1-based): chr10:88,948,928, C>T on the plus strand (G>A on the coding strand, the complement: ACTA2 is on the minus strand). VCF-style: chr10-88948928-C-T. GRCh37 (hg19) VCF-style: chr10-90708685-C-T.
Other names: c.3G>A, p.Met1Ile (NM_001141945.3, NM_001320855.2, NM_001406462.1 and 7 more transcripts); short protein forms M1I.
Identifiers: ClinVar variation 2151472 (VCV002151472.5), dbSNP rs1182412944, ClinGen allele CA377513858.